The following is an entry in ClinVar:

ClinVar aggregate classification (germline): Likely pathogenic (1 of 4 stars; one submission).

Conditions:
Nemaline myopathy. Also called: Myopathies, Nemaline. Identifiers: Orphanet 607, MedGen C0206157, MONDO:0018958.

gnomAD v4.1: 3 of 1,610,742 alleles (0.00019%); highest among the groups gnomAD compares: Non-Finnish European, 0.00025%; no homozygotes.

Submission:

Broad Center for Mendelian Genomics, Broad Institute of MIT and Harvard
Classification: Likely pathogenic for Nemaline myopathy. Last evaluated: 2025-03-24. Review status: criteria provided, single submitter. Criteria: ACMG Guidelines, 2015. Collection method: curation. Allele origin: germline. Inheritance: Autosomal recessive inheritance.
Comment: The c.612+1G>T variant in NEB has not been previously reported in the literature in individuals with nemaline myopathy, but has been identified in 0.0003% (3/1177994) of European (non-Finnish) chromosomes by the Genome Aggregation Database (gnomAD; dbSNP ID). Although this variant has been seen in the general population in a heterozygous state, its frequency is low enough to be consistent with a recessive carrier frequency. This variant is located in the 5' splice region. Computational tools predict a splicing impact, though this information is not predictive enough to determine pathogenicity. This variant is adjacent to an in-frame exon and may escape nonsense mediated decay (NMD) and result in a truncated protein. There is also an in-frame cryptic splice site 6 bases from the intron-exon boundary, providing evidence that this variant may add 2 amino acids instead of causing loss of function. However, this information is not predictive enough to determine pathogenicity. In-frame exon skipping of the NEB gene is an established disease mechanism in autosomal recessive nemaline myopathy. One additional pathogenic variant, predicted to induce the same splicing effect as this variant, has been reported in ClinVar as being associated with nemaline myopathy, supporting that the c.612+1G>T variant may be pathogenic (Variation ID: 1323345). In summary, although additional studies are required to fully establish its clinical significance, this variant is likely pathogenic for autosomal recessive nemaline myopathy. ACMG/AMP Criteria applied: PS1, PVS1_moderate, PM2_supporting (Richards 2015).

NM_001164508.2(NEB):c.612+1G>T

Gene: NEB (nebulin; minus strand). Cytogenetic location: 2q23.3.
Variant type: single nucleotide variant.
Coding change: c.612+1G>T on transcript NM_001164508.2 (MANE Select); the canonical splice donor site of the intron after coding-DNA position 612, G replaced by T.
Molecular consequence: splice donor variant.
Genome position (GRCh38, 1-based): chr2:151,724,259, C>A on the plus strand (G>T on the coding strand, the complement: NEB is on the minus strand). VCF-style: chr2-151724259-C-A. GRCh37 (hg19) VCF-style: chr2-152580773-C-A.
Other names: NM_001164508.2:c.612+1G>T; c.612+1G>T (NM_004543.5, NM_001164507.2, NM_001271208.2).
Identifiers: ClinVar variation 3777000 (VCV003777000.1).